The following is an entry in ClinVar:

ClinVar aggregate classification (germline): Uncertain significance (1 of 4 stars; one submission).

Submission:

Ambry Genetics
Classification: Uncertain significance. Last evaluated: 2024-07-06. Review status: criteria provided, single submitter. Criteria: Ambry Variant Classification Scheme 2023. Collection method: clinical testing. Allele origin: germline.
Comment: The p.S1956C variant (also known as c.5867C>G), located in coding exon 18 of the POLQ gene, results from a C to G substitution at nucleotide position 5867. The serine at codon 1956 is replaced by cysteine, an amino acid with dissimilar properties. This amino acid position is conserved. In addition, this alteration is predicted to be tolerated by in silico analysis. Based on the available evidence, the clinical significance of this variant remains unclear.

NM_199420.4(POLQ):c.5867C>G (p.Ser1956Cys)

Gene: POLQ (DNA polymerase theta; minus strand). Cytogenetic location: 3q13.33.
Variant type: single nucleotide variant.
Coding change: c.5867C>G on transcript NM_199420.4 (MANE Select); coding-DNA position 5867, C replaced by G.
Protein change: p.Ser1956Cys; replaces serine 1956 with cysteine.
Molecular consequence: missense variant.
Genome position (GRCh38, 1-based): chr3:121,483,489, G>C on the plus strand (C>G on the coding strand, the complement: POLQ is on the minus strand). VCF-style: chr3-121483489-G-C. GRCh37 (hg19) VCF-style: chr3-121202336-G-C.
Other names: short protein forms S1956C.
Identifiers: ClinVar variation 3422439 (VCV003422439.1).